The following is an entry in ClinVar:

NM_000059.4(BRCA2):c.5969A>T (p.Asp1990Val)

Gene: BRCA2 (BRCA2 DNA repair associated; plus strand). Cytogenetic location: 13q13.1.
Variant type: single nucleotide variant.
Coding change: c.5969A>T on transcript NM_000059.4 (MANE Select); coding-DNA position 5969, A replaced by T.
Protein change: p.Asp1990Val; replaces aspartic acid 1990 with valine.
Molecular consequence: missense variant. On other transcripts: non-coding transcript variant (1), intron variant (2).
Genome position (GRCh38, 1-based): chr13:32,340,324, A>T. VCF-style: chr13-32340324-A-T. GRCh37 (hg19) VCF-style: chr13-32914461-A-T.
Other names: c.5969A>T, p.Asp1990Val (NM_001406719.1, NM_001406720.1, NM_001432077.1); c.1910-4234A>T (NM_001406721.1); c.425-4234A>T (NM_001406722.1); short protein forms D1990V.
Identifiers: ClinVar variation 3717352 (VCV003717352.3).

ClinVar aggregate classification (germline): Uncertain significance. Review status: criteria provided, multiple submitters, no conflicts (2 of 4 stars). 2 submissions from 2 submitters: Uncertain significance (2). Last evaluated 2025-11-18.

Conditions:
Hereditary breast ovarian cancer syndrome. Also called: Breast and ovarian cancer; BRCA1- and BRCA2-Associated Hereditary Breast and Ovarian Cancer; Hereditary breast and/or ovarian cancer syndrome; Hereditary breast and ovarian cancer; Hereditary breast and ovarian cancer syndrome (HBOC); Hereditary breast and ovarian cancer syndrome. Identifiers: Orphanet 145, MedGen C0677776, MeSH D061325, MONDO:0003582. Disease mechanism: loss of function.
Hereditary cancer-predisposing syndrome. Also called: Tumor predisposition; Hereditary Cancer Syndrome; Hereditary neoplastic syndrome; Neoplastic Syndromes, Hereditary. Identifiers: Orphanet 140162, MedGen C0027672, MeSH D009386, MONDO:0015356.

Submissions (2):

Color Diagnostics, LLC DBA Color Health
Classification: Uncertain significance for Hereditary cancer-predisposing syndrome. Last evaluated: 2025-11-18. Review status: criteria provided, single submitter. Criteria: ACMG Guidelines, 2015. Collection method: clinical testing. Allele origin: germline.
Comment: This missense variant replaces aspartic acid with valine at codon 1990 of the BRCA2 protein. Computational prediction suggests that this variant may not impact protein structure and function. To our knowledge, functional studies have not been reported for this variant. This variant has not been reported in individuals affected with BRCA2-related disorders in the literature. This variant has not been identified in the general population by the Genome Aggregation Database (gnomAD). The available evidence is insufficient to determine the role of this variant in disease conclusively. Therefore, this variant is classified as a Variant of Uncertain Significance.

Labcorp Genetics (formerly Invitae), Labcorp
Classification: Uncertain significance for Hereditary breast ovarian cancer syndrome. Last evaluated: 2024-11-19. Review status: criteria provided, single submitter. Criteria: Invitae Variant Classification Sherloc (09022015). Collection method: clinical testing. Allele origin: germline.
Comment: This sequence change replaces aspartic acid, which is acidic and polar, with valine, which is neutral and non-polar, at codon 1990 of the BRCA2 protein (p.Asp1990Val). This variant is not present in population databases (gnomAD no frequency). This variant has not been reported in the literature in individuals affected with BRCA2-related conditions. Invitae Evidence Modeling of protein sequence and biophysical properties (such as structural, functional, and spatial information, amino acid conservation, physicochemical variation, residue mobility, and thermodynamic stability) indicates that this missense variant is not expected to disrupt BRCA2 protein function with a negative predictive value of 95%. In summary, the available evidence is currently insufficient to determine the role of this variant in disease. Therefore, it has been classified as a Variant of Uncertain Significance.